The following is an entry in ClinVar:

NM_016203.4(PRKAG2):c.751G>T (p.Glu251Ter)

Genes: PRKAG2 (protein kinase AMP-activated non-catalytic subunit gamma 2; minus strand), LOC129999660 (ATAC-STARR-seq lymphoblastoid silent region 18823; plus strand). Cytogenetic location: 7q36.1.
Variant type: single nucleotide variant.
Coding change: c.751G>T on transcript NM_016203.4 (MANE Select); coding-DNA position 751, G replaced by T.
Protein change: p.Glu251Ter; replaces glutamic acid 251 with a stop codon.
Molecular consequence: nonsense.
Genome position (GRCh38, 1-based): chr7:151,632,072, C>A on the plus strand (G>T on the coding strand, the complement: PRKAG2 is on the minus strand). VCF-style: chr7-151632072-C-A. GRCh37 (hg19) VCF-style: chr7-151329158-C-A.
Other names: c.619G>T, p.Glu207Ter (NM_001040633.2); c.379G>T, p.Glu127Ter (NM_001304527.2, NM_001363698.2); c.28G>T, p.Glu10Ter (NM_001304531.2, NM_024429.2); short protein forms E10*, E207*, E127*, E251*.
Identifiers: ClinVar variation 920626 (VCV000920626.3), dbSNP rs796699703, ClinGen allele CA169171322.
Genomic context (GRCh38, chr7:151,632,072, plus strand): 5'-TCCTCGGGCGGCCGGGCCGTGGGAGCGCCGGGCCGGCAGCGGGCGGGGCGCACTCACCTT[C>A]GTCCTCGAACTCCAGCTTCTCCAGCATGCCGGCTTCCGCGGGTCCCAGGGCCGCCGCCAG-3'

ClinVar aggregate classification (germline): Uncertain significance (1 of 4 stars; one submission).

Conditions:
Cardiomyopathy (CMYO). Also called: Cardiomyopathies. Identifiers: Orphanet 167848, MedGen C0878544, MONDO:0004994, HP:0001638. Inheritance: Various modes of inheritance.

gnomAD v4.1: 1 of 1,401,906 alleles (0.000071%); highest among the groups gnomAD compares: Non-Finnish European, 0.000094%; no homozygotes.

Submission:

Color Diagnostics, LLC DBA Color Health
Classification: Uncertain significance for Cardiomyopathy. Last evaluated: 2019-07-05. Review status: criteria provided, single submitter. Criteria: ACMG Guidelines, 2015. Collection method: clinical testing. Allele origin: germline.
Comment: This variant changes 1 nucleotide in exon 5 of the PRKAG2 gene, creating a premature translation stop signal. This variant is expected to result in an absent or non-functional protein product. To our knowledge, functional assays have not been performed for this variant nor has this variant been reported in individuals affected with cardiovascular disorders in the literature. This variant has not been identified in the general population by the Genome Aggregation Database (gnomAD). Clinical significance of loss-of-function truncation variants in the PRKAG2 gene is not clearly established. Available evidence is insufficient to determine the role of this variant in disease conclusively. Therefore, this variant is classified as a Variant of Uncertain Significance.